The following is an entry in ClinVar:

NM_000395.3(CSF2RB):c.430G>A (p.Asp144Asn)

Gene: CSF2RB (colony stimulating factor 2 receptor subunit beta; plus strand). Cytogenetic location: 22q12.3.
Variant type: single nucleotide variant.
Coding change: c.430G>A on transcript NM_000395.3 (MANE Select); coding-DNA position 430, G replaced by A.
Protein change: p.Asp144Asn; replaces aspartic acid 144 with asparagine.
Molecular consequence: missense variant.
Genome position (GRCh38, 1-based): chr22:36,929,440, G>A. VCF-style: chr22-36929440-G-A. GRCh37 (hg19) VCF-style: chr22-37325482-G-A.
Other names: c.430G>A (NM_000395.2); short protein forms D144N.
Identifiers: ClinVar variation 1420016 (VCV001420016.7), dbSNP rs776237333, ClinGen allele CA10213483.
Genomic context (GRCh38, chr22:36,929,440, plus strand): 5'-CCCTTCACTTCCTCCCCTCCAGTCCAGCCTCCTGAGCCCAGGGACCTGCAGATCAGCACC[G>A]ACCAGGACCACTTCCTGCTGACCTGGAGTGTGGCCCTTGGGAGTCCCCAGAGCCACTGGT-3'
Protein context (NP_000386.1, residues 134-154): PEPRDLQIST[Asp144Asn]QDHFLLTWSV

ClinVar aggregate classification (germline): Uncertain significance. Review status: criteria provided, multiple submitters, no conflicts (2 of 4 stars). 2 submissions from 2 submitters: Uncertain significance (2). Last evaluated 2025-09-22.

Conditions:
Inborn genetic diseases. Identifiers: MedGen C0950123, MeSH D030342.

Allele frequency attached by ClinVar (database versions not stated): gnomAD 0.00002 and 0.00004; TOPMed 0.00002; ExAC 0.00005; gnomAD exomes 0.00010.

Submissions (2):

Labcorp Genetics (formerly Invitae), Labcorp
Classification: Uncertain significance. Last evaluated: 2025-09-22. Review status: criteria provided, single submitter. Criteria: Invitae Variant Classification Sherloc (09022015). Collection method: clinical testing. Allele origin: germline.
Comment: This sequence change replaces aspartic acid, which is acidic and polar, with asparagine, which is neutral and polar, at codon 144 of the CSF2RB protein (p.Asp144Asn). This variant is present in population databases (rs776237333, gnomAD 0.06%), and has an allele count higher than expected for a pathogenic variant. This variant has not been reported in the literature in individuals affected with CSF2RB-related conditions. ClinVar contains an entry for this variant (Variation ID: 1420016). Invitae Evidence Modeling of protein sequence and biophysical properties (such as structural, functional, and spatial information, amino acid conservation, physicochemical variation, residue mobility, and thermodynamic stability) indicates that this missense variant is not expected to disrupt CSF2RB protein function with a negative predictive value of 80%. In summary, the available evidence is currently insufficient to determine the role of this variant in disease. Therefore, it has been classified as a Variant of Uncertain Significance.

Ambry Genetics
Classification: Uncertain significance for Inborn genetic diseases. Last evaluated: 2023-04-11. Review status: criteria provided, single submitter. Criteria: Ambry Variant Classification Scheme 2023. Collection method: clinical testing. Allele origin: germline.